The following is an entry in ClinVar:

NM_001372106.1(DNAH10):c.10553C>T (p.Thr3518Met)

Gene: DNAH10 (dynein axonemal heavy chain 10; plus strand). Cytogenetic location: 12q24.31.
Variant type: single nucleotide variant.
Coding change: c.10553C>T on transcript NM_001372106.1 (MANE Select); coding-DNA position 10553, C replaced by T.
Protein change: p.Thr3518Met; replaces threonine 3518 with methionine.
Molecular consequence: missense variant.
Genome position (GRCh38, 1-based): chr12:123,914,529, C>T. VCF-style: chr12-123914529-C-T. GRCh37 (hg19) VCF-style: chr12-124399076-C-T.
Other names: c.10199C>T, p.Thr3400Met (NM_207437.3); short protein forms T3400M, T3518M.
Identifiers: ClinVar variation 737779 (VCV000737779.4), dbSNP rs182386169, ClinGen allele CA6865411.
Genomic context (GRCh38, chr12:123,914,529, plus strand): 5'-ATGACATCCTGGAGCGGGAGATCCCCCTGAGCCAGCCTTTCCGGCTGGAAAGCCTGCTCA[C>T]GGATGATGTTGAGATCAGCAGGTGTGTGGCACCCTGAGCCAGCAGGAGGGAGGGGACACC-3'
Protein context (NP_001359035.1, residues 3508-3528): SQPFRLESLL[Thr3518Met]DDVEISRWGS

ClinVar aggregate classification (germline): Likely benign. Review status: criteria provided, multiple submitters, no conflicts (2 of 4 stars). 2 submissions from 2 submitters: Likely benign (2). Last evaluated 2026-07-01.

Allele frequency attached by ClinVar (database versions not stated): TOPMed 0.00034; ExAC 0.00040; gnomAD exomes 0.00045 and 0.00013; 1000 Genomes Project 0.00120; 1000 Genomes Project 30x 0.00141; gnomAD 0.00015 and 0.00019.
gnomAD v4.1: 222 of 1,613,234 alleles (0.014%); highest among the groups gnomAD compares: East Asian, 0.36%; 1 homozygote.

Submissions (2):

CeGaT Center for Human Genetics Tuebingen
Classification: Likely benign. Last evaluated: 2026-07-01. Review status: criteria provided, single submitter. Criteria: CeGaT Center For Human Genetics Tuebingen Variant Classification Criteria Version 2. Collection method: clinical testing. Allele origin: germline. Affected: yes. Observed: 1 variant allele.
Comment: DNAH10: PP2, BS2

Labcorp Genetics (formerly Invitae), Labcorp
Classification: Likely benign. Last evaluated: 2018-03-29. Review status: criteria provided, single submitter. Criteria: Invitae Variant Classification Sherloc (09022015). Collection method: clinical testing. Allele origin: germline.